The following is an entry in ClinVar:

NC_000004.11:g.(?_9828021)_(10090385_?)dup

Genes: SLC2A9 (solute carrier family 2 member 9; minus strand), WDR1 (WD repeat domain 1; minus strand). Cytogenetic location: 4p16.1.
Variant type: Duplication.
Identifiers: ClinVar variation 1450377 (VCV001450377.4).

ClinVar aggregate classification (germline): Uncertain significance (1 of 4 stars; one submission).

Submission:

Labcorp Genetics (formerly Invitae), Labcorp
Classification: Uncertain significance. Last evaluated: 2021-05-26. Review status: criteria provided, single submitter. Criteria: Invitae Variant Classification Sherloc (09022015). Collection method: clinical testing. Allele origin: germline.
Comment: In summary, the available evidence is currently insufficient to determine the role of this variant in disease. Therefore, it has been classified as a Variant of Uncertain Significance. This variant has not been reported in the literature in individuals with WDR1-related conditions. This variant results in a copy number gain of the genomic region encompassing exon(s) 6-15 of the WDR1 gene. The 5' boundary is likely confined to intron 5. The 3' end of this event is unknown as it extends beyond the assayed region for this gene and therefore may encompass additional genes. As the precise location of this event is unknown, it may be in tandem or it may be located elsewhere in the genome.